The following is an entry in ClinVar:

NM_002270.4(TNPO1):c.2217A>G (p.Ala739=)

Gene: TNPO1 (transportin 1; plus strand). Cytogenetic location: 5q13.2.
Variant type: single nucleotide variant.
Coding change: c.2217A>G on transcript NM_002270.4 (MANE Select); coding-DNA position 2217, A replaced by G.
Protein change: p.Ala739=; no amino-acid change (alanine 739 retained).
Molecular consequence: synonymous variant.
Genome position (GRCh38, 1-based): chr5:72,896,531, A>G. VCF-style: chr5-72896531-A-G. GRCh37 (hg19) VCF-style: chr5-72192358-A-G.
Other names: c.2193A>G, p.Ala731= (NM_001364292.3, NM_001364293.3, NM_001364294.3 and 1 more transcripts); c.2067A>G, p.Ala689= (NM_001364295.3).
Identifiers: ClinVar variation 3057008 (VCV003057008.2), dbSNP rs61749606, ClinGen allele CA3301719.

ClinVar aggregate classification (germline): Benign (0 of 4 stars; one submission).

Conditions:
TNPO1-related disorder. Also called: TNPO1-related condition.

Allele frequency attached by ClinVar (database versions not stated): 1000 Genomes Project 0.00579; 1000 Genomes Project 30x 0.00625; gnomAD 0.00703; ESP Exome Variant Server 0.00746; gnomAD exomes 0.00963.
gnomAD v4.1: 15,124 of 1,611,636 alleles (0.94%); highest among the groups gnomAD compares: South Asian, 1.7%; 96 homozygotes.

Submission:

PreventionGenetics, part of Exact Sciences
Classification: Benign for TNPO1-related condition. Last evaluated: 2019-05-28. Review status: no assertion criteria provided. Collection method: clinical testing. Allele origin: germline.
Comment: This variant is classified as benign based on ACMG/AMP sequence variant interpretation guidelines (Richards et al. 2015 PMID: 25741868, with internal and published modifications).